The following is an entry in ClinVar:

ClinVar aggregate classification (germline): Uncertain significance (1 of 4 stars; one submission).

Allele frequency attached by ClinVar (database versions not stated): ExAC 0.00001; gnomAD 0.00001; TOPMed 0.00001.
gnomAD v4.1: 1 of 1,613,740 alleles (0.000062%); highest among the groups gnomAD compares: African/African-American, 0.0013%; no homozygotes.

Submission:

Labcorp Genetics (formerly Invitae), Labcorp
Classification: Uncertain significance. Last evaluated: 2022-04-07. Review status: criteria provided, single submitter. Criteria: Invitae Variant Classification Sherloc (09022015). Collection method: clinical testing. Allele origin: germline.
Comment: Algorithms developed to predict the effect of missense changes on protein structure and function are either unavailable or do not agree on the potential impact of this missense change (SIFT: "Tolerated"; PolyPhen-2: "Not Available"; Align-GVGD: "Class C0"). In summary, the available evidence is currently insufficient to determine the role of this variant in disease. Therefore, it has been classified as a Variant of Uncertain Significance. This variant has not been reported in the literature in individuals affected with PCLO-related conditions. This variant is present in population databases (rs751420011, gnomAD 0.007%). This sequence change replaces serine, which is neutral and polar, with glycine, which is neutral and non-polar, at codon 3162 of the PCLO protein (p.Ser3162Gly).

NM_033026.6(PCLO):c.9484A>G (p.Ser3162Gly)

Gene: PCLO (piccolo presynaptic cytomatrix protein; minus strand). Cytogenetic location: 7q21.11.
Variant type: single nucleotide variant.
Coding change: c.9484A>G on transcript NM_033026.6 (MANE Select); coding-DNA position 9484, A replaced by G.
Protein change: p.Ser3162Gly; replaces serine 3162 with glycine.
Molecular consequence: missense variant.
Genome position (GRCh38, 1-based): chr7:82,951,104, T>C on the plus strand (A>G on the coding strand, the complement: PCLO is on the minus strand). VCF-style: chr7-82951104-T-C. GRCh37 (hg19) VCF-style: chr7-82580420-T-C.
Other names: c.9484A>G, p.Ser3162Gly (NM_014510.3); short protein forms S3162G.
Identifiers: ClinVar variation 1954325 (VCV001954325.5), dbSNP rs751420011, ClinGen allele CA4319915.
Genomic context (GRCh38, chr7:82,951,104, plus strand): 5'-GAACAGAGTCTATCGTCTCAGCAGTAAGAGACTCCATAGTAATAGTTTGCAAACTGGCAC[T>C]GATATCAATACCAGTTACTGCAATGTCCGTTTCAGATGCACCTGTTGTTATAAAATATGA-3'
Protein context (NP_149015.2, residues 3152-3172): TDIAVTGIDI[Ser3162Gly]ASLQTITMES